The following is an entry in ClinVar:

NM_005763.4(AASS):c.2755A>T (p.Thr919Ser)

Gene: AASS (aminoadipate-semialdehyde synthase; minus strand). Cytogenetic location: 7q31.32.
Variant type: single nucleotide variant.
Coding change: c.2755A>T on transcript NM_005763.4 (MANE Select); coding-DNA position 2755, A replaced by T.
Protein change: p.Thr919Ser; replaces threonine 919 with serine.
Molecular consequence: missense variant.
Genome position (GRCh38, 1-based): chr7:122,076,515, T>A on the plus strand (A>T on the coding strand, the complement: AASS is on the minus strand). VCF-style: chr7-122076515-T-A. GRCh37 (hg19) VCF-style: chr7-121716569-T-A.
Other names: short protein forms T919S.
Identifiers: ClinVar variation 4281085 (VCV004281085.7).
Genomic context (GRCh38, chr7:122,076,515, plus strand): 5'-GCCTGGGAAGAAAAAAACAAAATATAATTCCCAATTATGGTTTAATTGTACTCTGTGTAG[T>A]ATATATAATGCCTTCTGCTTTAATTCGCTCCAATATTGGTCCATAGATCTCCTTTGAAAA-3'
Protein context (NP_005754.2, residues 909-926): ERIKAEGIIY[Thr919Ser]TQSTIKP

ClinVar aggregate classification (germline): Uncertain significance (1 of 4 stars; one submission).

gnomAD v4.1: 11 of 1,613,214 alleles (0.00068%); highest among the groups gnomAD compares: African/African-American, 0.013%; no homozygotes.

Submission:

CeGaT Center for Human Genetics Tuebingen
Classification: Uncertain significance. Last evaluated: 2025-09-01. Review status: criteria provided, single submitter. Criteria: CeGaT Center For Human Genetics Tuebingen Variant Classification Criteria Version 2. Collection method: clinical testing. Allele origin: germline. Affected: yes. Observed: 1 variant allele.
Comment: AASS: PM2, BP4